The following is an entry in ClinVar:

NM_000186.4(CFH):c.3134-7T>C

Gene: CFH (complement factor H; plus strand). Cytogenetic location: 1q31.3.
Variant type: single nucleotide variant.
Coding change: c.3134-7T>C on transcript NM_000186.4 (MANE Select); 7 bases into the intron before coding-DNA position 3134, T replaced by C.
Molecular consequence: intron variant.
Genome position (GRCh38, 1-based): chr1:196,743,445, T>C. VCF-style: chr1-196743445-T-C. GRCh37 (hg19) VCF-style: chr1-196712575-T-C.
Identifiers: ClinVar variation 294518 (VCV000294518.9), dbSNP rs779166622, ClinGen allele CA10608674.

ClinVar aggregate classification (germline): Conflicting classifications of pathogenicity. Review status: criteria provided, conflicting classifications (1 of 4 stars). 11 submissions from 5 submitters: Uncertain significance (10); Likely benign (1). Last evaluated 2025-10-02.

Conditions:
Basal laminar drusen. Also called: DRUSEN OF BRUCH MEMBRANE; DRUSEN, CUTICULAR; DRUSEN, EARLY ADULT-ONSET, GROUPED. Identifiers: Orphanet 75376, MedGen C0730295, MONDO:0007472, OMIM 126700.
Atypical hemolytic-uremic syndrome. Identifiers: Orphanet 2134, MedGen C2931788, MONDO:0016244.
Age related macular degeneration 4. Identifiers: MedGen C1853147, MONDO:0012540, OMIM 610698.
Factor H deficiency (CFHD). Also called: COMPLEMENT FACTOR H DEFICIENCY; CFH DEFICIENCY. Identifiers: Orphanet 200421, MedGen C0398777, MONDO:0012350, OMIM 609814.
CFH-Related Dense Deposit Disease / Membranoproliferative Glomerulonephritis Type II. Identifiers: MedGen CN071292.
Hemolytic uremic syndrome, atypical, susceptibility to, 1. Also called: AHUS, SUSCEPTIBILITY TO, 1. Identifiers: Orphanet 2134, Orphanet 90038, MedGen C2749604, MONDO:0009335, OMIM 235400. Disease mechanism: Other.

Allele frequency attached by ClinVar (database versions not stated): gnomAD 0.00001; gnomAD exomes 0.00001 and below 0.00001; TOPMed 0.00003.
gnomAD v4.1: 22 of 1,613,880 alleles (0.0014%); highest among the groups gnomAD compares: Middle Eastern, 0.049%; no homozygotes.

Submissions (11):

Genomenon, Inc
Classification: Uncertain significance for Basal laminar drusen; Age related macular degeneration 4; Atypical hemolytic-uremic syndrome; Factor H deficiency. Last evaluated: 2025-10-02. Review status: criteria provided, single submitter. Criteria: Genomenon Sequence Variant Interpretation Standards - Updated. Collection method: curation. Allele origin: germline. Affected: no.
Comment: CFH c.3134-7T>C is an intronic variant located in intron 19. This variant has been reported in the published literature (PMID:33226606). It is absent or not present at a significant frequency in gnomAD. In silico models agree that this variant is not damaging. In conclusion, we classify CFH c.3134-7T>C as a variant of uncertain significance.

Blueprint Genetics
Classification: Likely benign. Last evaluated: 2023-10-06. Review status: criteria provided, single submitter. Criteria: ACMG Guidelines, 2015. Collection method: clinical testing. Allele origin: germline.

Genome-Nilou Lab
Classification: Uncertain significance for Hemolytic uremic syndrome, atypical, susceptibility to, 1. Last evaluated: 2023-04-11. Review status: criteria provided, single submitter. Criteria: ACMG Guidelines, 2015. Collection method: clinical testing. Allele origin: germline. Affected: no.

Genome-Nilou Lab
Classification: Uncertain significance for Age related macular degeneration 4. Last evaluated: 2023-04-11. Review status: criteria provided, single submitter. Criteria: ACMG Guidelines, 2015. Collection method: clinical testing. Allele origin: germline. Affected: no.

Genome-Nilou Lab
Classification: Uncertain significance for Basal laminar drusen. Last evaluated: 2023-04-11. Review status: criteria provided, single submitter. Criteria: ACMG Guidelines, 2015. Collection method: clinical testing. Allele origin: germline. Affected: no.

Genome-Nilou Lab
Classification: Uncertain significance for Factor H deficiency. Last evaluated: 2023-04-11. Review status: criteria provided, single submitter. Criteria: ACMG Guidelines, 2015. Collection method: clinical testing. Allele origin: germline. Affected: no.

Fulgent Genetics
Classification: Uncertain significance for Basal laminar drusen; Hemolytic uremic syndrome, atypical, susceptibility to, 1; Factor H deficiency; Age related macular degeneration 4. Last evaluated: 2021-11-08. Review status: criteria provided, single submitter. Criteria: ACMG Guidelines, 2015. Collection method: clinical testing. Allele origin: unknown.

Illumina Laboratory Services, Illumina
Classification: Uncertain significance for Membranoproliferative glomerulonephritis with complement factor h deficiency. Last evaluated: 2018-01-12. Review status: criteria provided, single submitter. Criteria: ICSL Variant Classification Criteria 13 December 2019. Collection method: clinical testing. Allele origin: germline.

Illumina Laboratory Services, Illumina
Classification: Uncertain significance for Hemolytic uremic syndrome, atypical, susceptibility to, 1. Last evaluated: 2018-01-12. Review status: criteria provided, single submitter. Criteria: ICSL Variant Classification Criteria 13 December 2019. Collection method: clinical testing. Allele origin: germline.

Illumina Laboratory Services, Illumina
Classification: Uncertain significance for Age related macular degeneration 4. Last evaluated: 2018-01-12. Review status: criteria provided, single submitter. Criteria: ICSL Variant Classification Criteria 13 December 2019. Collection method: clinical testing. Allele origin: germline.

Illumina Laboratory Services, Illumina
Classification: Uncertain significance for Basal laminar drusen. Last evaluated: 2018-01-12. Review status: criteria provided, single submitter. Criteria: ICSL Variant Classification Criteria 13 December 2019. Collection method: clinical testing. Allele origin: germline.

Literature cited by the submitters: PubMed 33226606 (cited by Genomenon, Inc).